The following is an entry in ClinVar:

NM_002907.4(RECQL):c.802A>G (p.Ile268Val)

Gene: RECQL (RecQ like helicase; minus strand). Cytogenetic location: 12p12.1.
Variant type: single nucleotide variant.
Coding change: c.802A>G on transcript NM_002907.4 (MANE Select); coding-DNA position 802, A replaced by G.
Protein change: p.Ile268Val; replaces isoleucine 268 with valine.
Molecular consequence: missense variant.
Genome position (GRCh38, 1-based): chr12:21,477,868, T>C on the plus strand (A>G on the coding strand, the complement: RECQL is on the minus strand). VCF-style: chr12-21477868-T-C. GRCh37 (hg19) VCF-style: chr12-21630802-T-C.
Other names: c.802A>G, p.Ile268Val (NM_032941.3); short protein forms I268V.
Identifiers: ClinVar variation 1761722 (VCV001761722.2), dbSNP rs2540356336, ClinGen allele CA384124420.

ClinVar aggregate classification (germline): Uncertain significance (1 of 4 stars; one submission).

Submission:

Ambry Genetics
Classification: Uncertain significance. Last evaluated: 2021-02-09. Review status: criteria provided, single submitter. Criteria: Ambry Variant Classification Scheme 2023. Collection method: clinical testing. Allele origin: germline.
Comment: The p.I268V variant (also known as c.802A>G), located in coding exon 6 of the RECQL gene, results from an A to G substitution at nucleotide position 802. The isoleucine at codon 268 is replaced by valine, an amino acid with highly similar properties. This amino acid position is highly conserved in available vertebrate species. In addition, this alteration is predicted to be tolerated by in silico analysis. Since supporting evidence is limited at this time, the clinical significance of this alteration remains unclear.